The following is an entry in ClinVar:

ClinVar aggregate classification (germline): Uncertain significance (0 of 4 stars; one submission).

Conditions:
NTRK2-related disorder. Also called: NTRK2-related condition.

Submission:

PreventionGenetics, part of Exact Sciences
Classification: Uncertain significance for NTRK2-related condition. Last evaluated: 2024-05-07. Review status: no assertion criteria provided. Collection method: clinical testing. Allele origin: germline.
Comment: The NTRK2 c.2149G>T variant is predicted to result in the amino acid substitution p.Val717Leu. To our knowledge, this variant has not been reported in the literature or in a large population database, indicating this variant is rare. At this time, the clinical significance of this variant is uncertain due to the absence of conclusive functional and genetic evidence.

NM_006180.6(NTRK2):c.2149G>T (p.Val717Leu)

Gene: NTRK2 (neurotrophic receptor tyrosine kinase 2; plus strand). Cytogenetic location: 9q21.33.
Variant type: single nucleotide variant.
Coding change: c.2149G>T on transcript NM_006180.6 (MANE Select); coding-DNA position 2149, G replaced by T.
Protein change: p.Val717Leu; replaces valine 717 with leucine.
Molecular consequence: missense variant.
Genome position (GRCh38, 1-based): chr9:84,955,494, G>T. VCF-style: chr9-84955494-G-T. GRCh37 (hg19) VCF-style: chr9-87570409-G-T.
Other names: c.2101G>T, p.Val701Leu (NM_001018064.3, NM_001369532.1, NM_001369533.1); c.2065G>T, p.Val689Leu (NM_001369534.1); c.1633G>T, p.Val545Leu (NM_001369535.1); c.1681G>T, p.Val561Leu (NM_001369536.1); short protein forms V545L, V561L, V689L, V701L, V717L.
Identifiers: ClinVar variation 3345278 (VCV003345278.1).
Genomic context (GRCh38, chr9:84,955,494, plus strand): 5'-AACTGCCTGGTCGGGGAGAACTTGCTGGTGAAAATCGGGGACTTTGGGATGTCCCGGGAC[G>T]TGTACAGCACTGACTACTACAGGGTGAGTAGCTGTGCAGATCAGAGACCCCAGGGACCTC-3'
Protein context (NP_006171.2, residues 707-727): KIGDFGMSRD[Val717Leu]YSTDYYRVGG